The following is an entry in ClinVar:

ClinVar aggregate classification (germline): Uncertain significance. Review status: criteria provided, multiple submitters, no conflicts (2 of 4 stars). 3 submissions from 3 submitters: Uncertain significance (3). Last evaluated 2023-03-09.

Conditions:
Hereditary cancer-predisposing syndrome. Also called: Neoplastic Syndromes, Hereditary; Tumor predisposition; Hereditary Cancer Syndrome; Hereditary neoplastic syndrome. Identifiers: Orphanet 140162, MedGen C0027672, MeSH D009386, MONDO:0015356.
Haddad syndrome (OHD). Also called: Ondine-Hirschsprung disease. Identifiers: Orphanet 99803, MedGen C1859049, MONDO:0020493.
Congenital central hypoventilation. Also called: Congenital Central Hypoventilation Syndrome. Identifiers: Orphanet 661, Orphanet 99803, MedGen C1275808, MONDO:0800031. Disease mechanism: gain of function.

Allele frequency attached by ClinVar (database versions not stated): TOPMed 0.00001.

Submissions (3):

Labcorp Genetics (formerly Invitae), Labcorp
Classification: Uncertain significance for Haddad syndrome. Last evaluated: 2023-03-09. Review status: criteria provided, single submitter. Criteria: Invitae Variant Classification Sherloc (09022015). Collection method: clinical testing. Allele origin: germline.
Comment: In summary, the available evidence is currently insufficient to determine the role of this variant in disease. Therefore, it has been classified as a Variant of Uncertain Significance. This sequence change replaces proline, which is neutral and non-polar, with threonine, which is neutral and polar, at codon 277 of the PHOX2B protein (p.Pro277Thr). This variant is not present in population databases (gnomAD no frequency). This missense change has been observed in individual(s) with PHOX2B-related conditions (PMID: 34298581). ClinVar contains an entry for this variant (Variation ID: 1172785). Experimental studies and prediction algorithms are not available or were not evaluated, and the functional significance of this variant is currently unknown.

Ambry Genetics
Classification: Uncertain significance for Hereditary cancer-predisposing syndrome. Last evaluated: 2021-06-04. Review status: criteria provided, single submitter. Criteria: Ambry Variant Classification Scheme 2023. Collection method: clinical testing. Allele origin: germline.
Comment: The p.P277T variant (also known as c.829C>A), located in coding exon 3 of the PHOX2B gene, results from a C to A substitution at nucleotide position 829. The proline at codon 277 is replaced by threonine, an amino acid with highly similar properties. This amino acid position is highly conserved in available vertebrate species. In addition, the in silico prediction for this alteration is inconclusive. Since supporting evidence is limited at this time, the clinical significance of this alteration remains unclear.

The Laboratory of Genetics and Metabolism, Hunan Children’s Hospital
Classification: Uncertain significance for Central hypoventilation syndrome, congenital, 1, with or without Hirschsprung disease. Last evaluated: 2021-03-06. Review status: criteria provided, single submitter. Criteria: ACMG Guidelines, 2015. Collection method: research. Allele origin: germline. Affected: yes. Observed: 1 variant allele.

Literature cited by the submitters: PubMed 34298581 (cited by Labcorp Genetics (formerly Invitae), Labcorp and The Laboratory of Genetics and Metabolism, Hunan Children’s Hospital).

NM_003924.4(PHOX2B):c.829C>A (p.Pro277Thr)

Gene: PHOX2B (paired like homeobox 2B; minus strand). Cytogenetic location: 4p13.
Variant type: single nucleotide variant.
Coding change: c.829C>A on transcript NM_003924.4 (MANE Select); coding-DNA position 829, C replaced by A.
Protein change: p.Pro277Thr; replaces proline 277 with threonine.
Molecular consequence: missense variant.
Genome position (GRCh38, 1-based): chr4:41,745,923, G>T on the plus strand (C>A on the coding strand, the complement: PHOX2B is on the minus strand). VCF-style: chr4-41745923-G-T. GRCh37 (hg19) VCF-style: chr4-41747940-G-T.
Other names: short protein forms P277T.
Identifiers: ClinVar variation 1172785 (VCV001172785.7), dbSNP rs1469920302, ClinGen allele CA356737058.
Genomic context (GRCh38, chr4:41,745,923, plus strand): 5'-AAGATAGGACGCTGGCGAAGGGACCCCCAAGCGAATCCGGGATGGAGGTGATGGGGCCGG[G>T]GCCGGGAGCCCAGCCTTGTCCAGGGCCCCCAGCCGCAGCCAGGCCTCCAGCTGCCGCCGC-3'
Protein context (NP_003915.2, residues 267-287): GGPGQGWAPG[Pro277Thr]GPITSIPDSL